The following is an entry in ClinVar:

ClinVar aggregate classification (germline): Pathogenic (1 of 4 stars; one submission).

Submission:

Labcorp Genetics (formerly Invitae), Labcorp
Classification: Pathogenic. Last evaluated: 2025-07-23. Review status: criteria provided, single submitter. Criteria: Invitae Variant Classification Sherloc (09022015). Collection method: clinical testing. Allele origin: germline.
Comment: This sequence change creates a premature translational stop signal (p.Tyr2469*) in the USH2A gene. It is expected to result in an absent or disrupted protein product. Loss-of-function variants in USH2A are known to be pathogenic (PMID: 10729113, 10909849, 20507924, 25649381). This variant is not present in population databases (gnomAD no frequency). This variant has not been reported in the literature in individuals affected with USH2A-related conditions. For these reasons, this variant has been classified as Pathogenic.

Literature cited by the submitters: PubMed 10729113; PubMed 10909849; PubMed 20507924; PubMed 25649381.

NM_206933.4(USH2A):c.7406_7418del (p.Arg2468_Tyr2469insTer)

Gene: USH2A (usherin; minus strand). Cytogenetic location: 1q41.
Variant type: Deletion.
Coding change: c.7406_7418del on transcript NM_206933.4 (MANE Select); coding-DNA positions 7406 to 7418, 13 bases deleted (ACCAACTCCAGAT).
Protein change: p.Arg2468_Tyr2469insTer.
Molecular consequence: nonsense.
Genome position (GRCh38, 1-based): chr1:215,900,788-215,900,800, ATCTGGAGTTGGT deleted on the plus strand (ACCAACTCCAGAT on the coding strand, the reverse complement: USH2A is on the minus strand); deleting any 13 consecutive bases within chr1:215,900,788-215,900,806 gives the same sequence; the c. name uses the placement nearest the transcript's 3' end. VCF-style (leftmost placement, unchanged base first): chr1-215900787-CATCTGGAGTTGGT-C. GRCh37 (hg19) VCF-style: chr1-216074129-CATCTGGAGTTGGT-C.
Identifiers: ClinVar variation 4782241 (VCV004782241.1).